The following is an entry in ClinVar:

ClinVar aggregate classification (germline): Uncertain significance (1 of 4 stars; one submission).

Submission:

GeneDx
Classification: Uncertain significance. Last evaluated: 2022-01-10. Review status: criteria provided, single submitter. Criteria: GeneDx Variant Classification Process June 2021. Collection method: clinical testing. Allele origin: germline. Affected: yes.
Comment: Not observed at significant frequency in large population cohorts (gnomAD); In silico analysis supports that this missense variant does not alter protein structure/function; Has not been previously published as pathogenic or benign to our knowledge

NM_182641.4(BPTF):c.1127T>C (p.Ile376Thr)

Gene: BPTF (bromodomain PHD finger transcription factor; plus strand). Cytogenetic location: 17q24.2.
Variant type: single nucleotide variant.
Coding change: c.1127T>C on transcript NM_182641.4 (MANE Select); coding-DNA position 1127, T replaced by C.
Protein change: p.Ile376Thr; replaces isoleucine 376 with threonine.
Molecular consequence: missense variant.
Genome position (GRCh38, 1-based): chr17:67,854,453, T>C. VCF-style: chr17-67854453-T-C. GRCh37 (hg19) VCF-style: chr17-65850569-T-C.
Other names: c.1127T>C, p.Ile376Thr (NM_004459.7); short protein forms I376T.
Identifiers: ClinVar variation 1697117 (VCV001697117.2), dbSNP rs2144998844, ClinGen allele CA400720777.